The following is an entry in ClinVar:

NM_006206.6(PDGFRA):c.2071G>A (p.Asp691Asn)

Gene: PDGFRA (platelet derived growth factor receptor alpha; plus strand). Cytogenetic location: 4q12.
Variant type: single nucleotide variant.
Coding change: c.2071G>A on transcript NM_006206.6 (MANE Select); coding-DNA position 2071, G replaced by A.
Protein change: p.Asp691Asn; replaces aspartic acid 691 with asparagine.
Molecular consequence: missense variant.
Genome position (GRCh38, 1-based): chr4:54,278,430, G>A. VCF-style: chr4-54278430-G-A. GRCh37 (hg19) VCF-style: chr4-55144597-G-A.
Other names: c.2071G>A, p.Asp691Asn (NM_001347827.2, NM_001347829.2); c.2146G>A, p.Asp716Asn (NM_001347828.2); c.2110G>A, p.Asp704Asn (NM_001347830.2); short protein forms D716N, D691N, D704N.
Identifiers: ClinVar variation 2123984 (VCV002123984.4), dbSNP rs771199305, ClinGen allele CA356893977.

ClinVar aggregate classification (germline): Uncertain significance (1 of 4 stars; one submission).

Conditions:
Gastrointestinal stromal tumor. Also called: Gastrointestinal stroma tumor; Gastrointestinal stromal tumor, somatic. Identifiers: Orphanet 44890, MedGen C0238198, MeSH D046152, MONDO:0011719, OMIM 606764, HP:0100723.

Submission:

Labcorp Genetics (formerly Invitae), Labcorp
Classification: Uncertain significance for Gastrointestinal stromal tumor. Last evaluated: 2022-04-10. Review status: criteria provided, single submitter. Criteria: Invitae Variant Classification Sherloc (09022015). Collection method: clinical testing. Allele origin: germline.
Comment: This sequence change replaces aspartic acid, which is acidic and polar, with asparagine, which is neutral and polar, at codon 691 of the PDGFRA protein (p.Asp691Asn). This variant is not present in population databases (gnomAD no frequency). This variant has not been reported in the literature in individuals affected with PDGFRA-related conditions. Algorithms developed to predict the effect of missense changes on protein structure and function (SIFT, PolyPhen-2, Align-GVGD) all suggest that this variant is likely to be tolerated. In summary, the available evidence is currently insufficient to determine the role of this variant in disease. Therefore, it has been classified as a Variant of Uncertain Significance.